The following is an entry in ClinVar:

NM_024675.4(PALB2):c.2163A>G (p.Thr721=)

Gene: PALB2 (partner and localizer of BRCA2; minus strand). Cytogenetic location: 16p12.2.
Variant type: single nucleotide variant.
Coding change: c.2163A>G on transcript NM_024675.4 (MANE Select); coding-DNA position 2163, A replaced by G.
Protein change: p.Thr721=; no amino-acid change (threonine 721 retained).
Molecular consequence: synonymous variant. On other transcripts: intron variant (1).
Genome position (GRCh38, 1-based): chr16:23,629,991, T>C on the plus strand (A>G on the coding strand, the complement: PALB2 is on the minus strand). VCF-style: chr16-23629991-T-C. GRCh37 (hg19) VCF-style: chr16-23641312-T-C.
Other names: c.2103A>G, p.Thr701= (NM_001407296.1); c.2163A>G, p.Thr721= (NM_001407297.1, NM_001407298.1, NM_001407299.1 and 3 more transcripts); c.1278A>G, p.Thr426= (NM_001407304.1, NM_001407305.1, NM_001407306.1 and 5 more transcripts); c.375A>G, p.Thr125= (NM_001407312.1, NM_001407313.1); c.49-716A>G (NM_001407314.1).
Identifiers: ClinVar variation 2738995 (VCV002738995.4), dbSNP rs587781105, ClinGen allele CA494461134.

ClinVar aggregate classification (germline): Benign/Likely benign. Review status: criteria provided, multiple submitters, no conflicts (2 of 4 stars). 2 submissions from 2 submitters: Benign (1); Likely benign (1). Last evaluated 2025-01-15.

Conditions:
Familial cancer of breast. Also called: hereditary breast carcinoma; Hereditary breast cancer; BREAST CANCER, FAMILIAL. Identifiers: Orphanet 227535, MedGen C0346153, MONDO:0016419, OMIM 114480. Disease mechanism: loss of function.

Submissions (2):

Myriad Genetics, Inc.
Classification: Benign for Familial cancer of breast. Last evaluated: 2025-01-15. Review status: criteria provided, single submitter. Criteria: Myriad Autosomal Dominant, Autosomal Recessive and X-Linked Classification Criteria (2023). Collection method: clinical testing. Allele origin: unknown.
Comment: This variant is considered benign. This variant is a silent/synonymous amino acid change and it is not expected to impact splicing.

Labcorp Genetics (formerly Invitae), Labcorp
Classification: Likely benign for Familial cancer of breast. Last evaluated: 2023-07-08. Review status: criteria provided, single submitter. Criteria: Invitae Variant Classification Sherloc (09022015). Collection method: clinical testing. Allele origin: germline.